The following is an entry in ClinVar:

NM_001032283.3(TMPO):c.331G>A (p.Asp111Asn)

Gene: TMPO (thymopoietin; plus strand). Cytogenetic location: 12q23.1.
Variant type: single nucleotide variant.
Coding change: c.331G>A on transcript NM_001032283.3 (MANE Select); coding-DNA position 331, G replaced by A.
Protein change: p.Asp111Asn; replaces aspartic acid 111 with asparagine.
Molecular consequence: missense variant.
Genome position (GRCh38, 1-based): chr12:98,527,937, G>A. VCF-style: chr12-98527937-G-A. GRCh37 (hg19) VCF-style: chr12-98921715-G-A.
Other names: c.331G>A, p.Asp111Asn (NM_001032284.3, NM_001307975.2, NM_003276.2); short protein forms D111N.
Identifiers: ClinVar variation 191786 (VCV000191786.1), dbSNP rs201838047, ClinGen allele CA237536.

ClinVar aggregate classification (germline): Uncertain significance (1 of 4 stars; one submission).

gnomAD v4.1: 9 of 1,613,908 alleles (0.00056%); highest among the groups gnomAD compares: Non-Finnish European, 0.00076%; no homozygotes.

Submission:

Biesecker Lab/Clinical Genomics Section, National Institutes of Health
Classification: Uncertain significance. Last evaluated: 2013-06-24. Review status: criteria provided, single submitter. Criteria: Ng et al. (Circ Cardiovasc Genet. 2013). Collection method: research. Allele origin: unknown. Observed: 1 variant allele. Study: ClinSeq.
Comment: The study set was not selected for affection status in relation to any cancer. Pathogenicity categories were based on literature curation. See Pubmed ID:23861362 for details.

Medical sequencing